The following is an entry in ClinVar:

NM_138576.4(BCL11B):c.64G>C (p.Ala22Pro)

Gene: BCL11B (BCL11 transcription factor B; minus strand). Cytogenetic location: 14q32.2.
Variant type: single nucleotide variant.
Coding change: c.64G>C on transcript NM_138576.4 (MANE Select); coding-DNA position 64, G replaced by C.
Protein change: p.Ala22Pro; replaces alanine 22 with proline.
Molecular consequence: missense variant.
Genome position (GRCh38, 1-based): chr14:99,257,834, C>G on the plus strand (G>C on the coding strand, the complement: BCL11B is on the minus strand). VCF-style: chr14-99257834-C-G. GRCh37 (hg19) VCF-style: chr14-99724171-C-G.
Other names: c.61G>C, p.Ala21Pro (NM_001282237.2, NM_001282238.2); c.64G>C, p.Ala22Pro (NM_022898.3); short protein forms A21P, A22P.
Identifiers: ClinVar variation 3620770 (VCV003620770.2).

ClinVar aggregate classification (germline): Uncertain significance (1 of 4 stars; one submission).

Submission:

Labcorp Genetics (formerly Invitae), Labcorp
Classification: Uncertain significance. Last evaluated: 2025-02-01. Review status: criteria provided, single submitter. Criteria: Invitae Variant Classification Sherloc (09022015). Collection method: clinical testing. Allele origin: germline.
Comment: This sequence change replaces alanine, which is neutral and non-polar, with proline, which is neutral and non-polar, at codon 22 of the BCL11B protein (p.Ala22Pro). This variant is not present in population databases (gnomAD no frequency). This variant has not been reported in the literature in individuals affected with BCL11B-related conditions. Invitae Evidence Modeling of protein sequence and biophysical properties (such as structural, functional, and spatial information, amino acid conservation, physicochemical variation, residue mobility, and thermodynamic stability) indicates that this missense variant is not expected to disrupt BCL11B protein function with a negative predictive value of 95%. In summary, the available evidence is currently insufficient to determine the role of this variant in disease. Therefore, it has been classified as a Variant of Uncertain Significance.